The following is an entry in ClinVar:

ClinVar aggregate classification (germline): Uncertain significance (1 of 4 stars; one submission).

Conditions:
CREBBP-related disorder. Also called: CREBBP-related condition; CREBBP-related disorders.

gnomAD v4.1: 4 of 1,600,852 alleles (0.00025%); highest among the groups gnomAD compares: Non-Finnish European, 0.00034%; no homozygotes.

Submission:

PreventionGenetics, part of Exact Sciences
Classification: Uncertain significance for CREBBP-related condition. Last evaluated: 2025-09-03. Review status: criteria provided, single submitter. Criteria: ACMG Guidelines, 2015. Collection method: clinical testing. Allele origin: germline.
Comment: The CREBBP c.6106C>T variant is predicted to result in the amino acid substitution p.Pro2036Ser. To our knowledge, this variant has not been reported in the literature or in a large population database (gnomAD), indicating this variant is rare. At this time, the clinical significance of this variant is uncertain due to the absence of conclusive functional and genetic evidence.

NM_004380.3(CREBBP):c.6106C>T (p.Pro2036Ser)

Gene: CREBBP (CREB binding lysine acetyltransferase; minus strand). Cytogenetic location: 16p13.3.
Variant type: single nucleotide variant.
Coding change: c.6106C>T on transcript NM_004380.3 (MANE Select); coding-DNA position 6106, C replaced by T.
Protein change: p.Pro2036Ser; replaces proline 2036 with serine.
Molecular consequence: missense variant.
Genome position (GRCh38, 1-based): chr16:3,728,941, G>A on the plus strand (C>T on the coding strand, the complement: CREBBP is on the minus strand). VCF-style: chr16-3728941-G-A. GRCh37 (hg19) VCF-style: chr16-3778942-G-A.
Other names: c.5992C>T, p.Pro1998Ser (NM_001079846.1); short protein forms P1998S, P2036S.
Identifiers: ClinVar variation 4993736 (VCV004993736.1).